The following is an entry in ClinVar:

NM_001384479.1(AGT):c.1345C>T (p.Arg449Cys)

Gene: AGT (angiotensinogen; minus strand). Cytogenetic location: 1q42.2.
Variant type: single nucleotide variant.
Coding change: c.1345C>T on transcript NM_001384479.1 (MANE Select); coding-DNA position 1345, C replaced by T.
Protein change: p.Arg449Cys; replaces arginine 449 with cysteine.
Molecular consequence: missense variant.
Genome position (GRCh38, 1-based): chr1:230,703,227, G>A on the plus strand (C>T on the coding strand, the complement: AGT is on the minus strand). VCF-style: chr1-230703227-G-A. GRCh37 (hg19) VCF-style: chr1-230838973-G-A.
Other names: NM_000029.3:c.1372C>T; c.1345C>T, p.Arg449Cys (NM_001382817.3); short protein forms R449C.
Identifiers: ClinVar variation 1125579 (VCV001125579.11), dbSNP rs375261929, ClinGen allele CA1448044.

ClinVar aggregate classification (germline): Conflicting classifications of pathogenicity. Review status: criteria provided, conflicting classifications (1 of 4 stars). 3 submissions from 3 submitters: Uncertain significance (1); Likely benign (2). Last evaluated 2026-01-14.

Conditions:
AGT-related disorder. Also called: AGT-related condition.

Allele frequency attached by ClinVar (database versions not stated): 1000 Genomes Project 0.00120; gnomAD 0.00006 and 0.00013; TOPMed 0.00008; ESP Exome Variant Server 0.00015; gnomAD exomes 0.00041; ExAC 0.00045; 1000 Genomes Project 30x 0.00094.
gnomAD v4.1: 298 of 1,614,198 alleles (0.018%); highest among the groups gnomAD compares: South Asian, 0.22%; no homozygotes.

Submissions (3):

PreventionGenetics, part of Exact Sciences
Classification: Likely benign for AGT-related condition. Last evaluated: 2026-01-14. Review status: criteria provided, single submitter. Criteria: ACMG Guidelines, 2015. Collection method: clinical testing. Allele origin: germline.
Comment: This variant is classified as likely benign based on ACMG/AMP sequence variant interpretation guidelines (Richards et al. 2015 PMID: 25741868, with internal and published modifications).

Labcorp Genetics (formerly Invitae), Labcorp
Classification: Likely benign. Last evaluated: 2025-07-02. Review status: criteria provided, single submitter. Criteria: Invitae Variant Classification Sherloc (09022015). Collection method: clinical testing. Allele origin: germline.

GeneDx
Classification: Uncertain significance. Last evaluated: 2019-12-12. Review status: criteria provided, single submitter. Criteria: GeneDx Variant Classification Process June 2021. Collection method: clinical testing. Allele origin: germline. Affected: yes.
Comment: In silico analysis, which includes protein predictors and evolutionary conservation, supports a deleterious effect; This variant is associated with the following publications: (PMID: 22095942, 27884173, 24631685)